The following is an entry in ClinVar:

ClinVar aggregate classification (germline): Uncertain significance (1 of 4 stars; one submission).

Submission:

Labcorp Genetics (formerly Invitae), Labcorp
Classification: Uncertain significance. Last evaluated: 2024-09-12. Review status: criteria provided, single submitter. Criteria: Invitae Variant Classification Sherloc (09022015). Collection method: clinical testing. Allele origin: germline.
Comment: This sequence change replaces serine, which is neutral and polar, with cysteine, which is neutral and slightly polar, at codon 553 of the ADCY1 protein (p.Ser553Cys). This variant is not present in population databases (gnomAD no frequency). This variant has not been reported in the literature in individuals affected with ADCY1-related conditions. Invitae Evidence Modeling of protein sequence and biophysical properties (such as structural, functional, and spatial information, amino acid conservation, physicochemical variation, residue mobility, and thermodynamic stability) indicates that this missense variant is not expected to disrupt ADCY1 protein function with a negative predictive value of 80%. In summary, the available evidence is currently insufficient to determine the role of this variant in disease. Therefore, it has been classified as a Variant of Uncertain Significance.

NM_021116.4(ADCY1):c.1658C>G (p.Ser553Cys)

Gene: ADCY1 (adenylate cyclase 1; plus strand). Cytogenetic location: 7p12.3.
Variant type: single nucleotide variant.
Coding change: c.1658C>G on transcript NM_021116.4 (MANE Select); coding-DNA position 1658, C replaced by G.
Protein change: p.Ser553Cys; replaces serine 553 with cysteine.
Molecular consequence: missense variant.
Genome position (GRCh38, 1-based): chr7:45,677,921, C>G. VCF-style: chr7-45677921-C-G. GRCh37 (hg19) VCF-style: chr7-45717520-C-G.
Other names: short protein forms S553C.
Identifiers: ClinVar variation 3667110 (VCV003667110.2).